The following is an entry in ClinVar:

NM_000138.5(FBN1):c.4096G>A (p.Glu1366Lys)

Gene: FBN1 (fibrillin 1; minus strand). Cytogenetic location: 15q21.1.
Variant type: single nucleotide variant.
Coding change: c.4096G>A on transcript NM_000138.5 (MANE Select); coding-DNA position 4096, G replaced by A.
Protein change: p.Glu1366Lys; replaces glutamic acid 1366 with lysine.
Molecular consequence: missense variant.
Genome position (GRCh38, 1-based): chr15:48,474,369, C>T on the plus strand (G>A on the coding strand, the complement: FBN1 is on the minus strand). VCF-style: chr15-48474369-C-T. GRCh37 (hg19) VCF-style: chr15-48766566-C-T.
Other names: p.E1366K:GAA>AAA; p.Glu1366Lys; p.(Glu1366Lys); short protein forms E1366K.
Identifiers: ClinVar variation 200036 (VCV000200036.43), dbSNP rs763449629, ClinGen allele CA014760.

ClinVar aggregate classification (germline): Pathogenic/Likely pathogenic. Review status: criteria provided, multiple submitters, no conflicts (2 of 4 stars). 11 submissions from 11 submitters: Pathogenic (6); Likely pathogenic (4). 1 of the submissions does not count toward it. Last evaluated 2025-12-26.

Conditions:
Marfan syndrome (MFS). Also called: Marfan syndrome, classic; Marfan syndrome type 1; Marfan's syndrome; MARFAN SYNDROME, TYPE I; FBN1-Related Marfan Syndrome. Identifiers: Orphanet 284963, Orphanet 558, MedGen C0024796, MONDO:0007947, OMIM 154700.
Familial thoracic aortic aneurysm and aortic dissection (TAAD). Also called: Thoracic aortic aneurysms and dissections. Identifiers: Orphanet 91387, MedGen C4707243, MONDO:0019625.
Marfan Syndrome/Loeys-Dietz Syndrome/Familial Thoracic Aortic Aneurysms and Dissections. Identifiers: MedGen CN229799.
Geleophysic dysplasia 2 (GPHYSD2). Identifiers: Orphanet 2623, MedGen C3280054, MONDO:0013612, OMIM 614185.
FBN1-related disorder. Also called: FBN1-related disorders.

gnomAD v4.1: 1 of 1,613,972 alleles (0.000062%); highest among the groups gnomAD compares: Non-Finnish European, 0.000085%; no homozygotes.

Submissions (11):

Labcorp Genetics (formerly Invitae), Labcorp
Classification: Pathogenic for Marfan syndrome; Familial thoracic aortic aneurysm and aortic dissection. Last evaluated: 2025-12-26. Review status: criteria provided, single submitter. Criteria: Invitae Variant Classification Sherloc (09022015). Collection method: clinical testing. Allele origin: germline.
Comment: This sequence change replaces glutamic acid, which is acidic and polar, with lysine, which is basic and polar, at codon 1366 of the FBN1 protein (p.Glu1366Lys). This variant is not present in population databases (gnomAD no frequency). This missense change has been observed in individual(s) with clinical features of Marfan syndrome (PMID: 14695540, 16342915, 17657824, 24199744, 27611364, 27724990, 31098894). In at least one individual the variant was observed to be de novo. ClinVar contains an entry for this variant (Variation ID: 200036). Invitae Evidence Modeling of protein sequence and biophysical properties (such as structural, functional, and spatial information, amino acid conservation, physicochemical variation, residue mobility, and thermodynamic stability) indicates that this missense variant is expected to disrupt FBN1 protein function with a positive predictive value of 95%. For these reasons, this variant has been classified as Pathogenic.

Ambry Genetics
Classification: Pathogenic for Familial thoracic aortic aneurysm and aortic dissection. Last evaluated: 2024-12-30. Review status: criteria provided, single submitter. Criteria: Ambry Variant Classification Scheme 2023. Collection method: clinical testing. Allele origin: germline.
Comment: The p.E1366K pathogenic mutation (also known as c.4096G>A), located in coding exon 33 of the FBN1 gene, results from a G to A substitution at nucleotide position 4096. The glutamic acid at codon 1366 is replaced by lysine, an amino acid with similar properties, and is located in the cbEGF-like domain #19. This variant has been reported in classical Marfan syndrome cases and in individuals with ectopia lentis and skeletal findings but who lacked typical cardiac findings (Biggin A et al. Hum Mutat, 2004 Jan;23:99; Comeglio P et al. Hum Mutat, 2007 Sep;28:928; Baumgartner C et al. Methods Inf Med, 2005;44:487-97; Pees C et al. Clin Genet, 2014 Dec;86:552-7; Proost D et al. Hum Mutat, 2015 Aug;36:808-14). This variant was more recently reported as de novo in a child with ectopia lentis and mild aortic dilation (Li J et al. Sci China Life Sci, 2019 Dec;62:1630-1637). This amino acid position is highly conserved in available vertebrate species. In addition, this alteration is predicted to be deleterious by in silico analysis. This variant was not reported in population-based cohorts in the Genome Aggregation Database (gnomAD). Based on the supporting evidence, this alteration is interpreted as a disease-causing mutation.

Dubai Health Genomic Medicine Center, Dubai Health
Classification: Pathogenic for Geleophysic dysplasia 2. Last evaluated: 2024-10-04. Review status: criteria provided, single submitter. Criteria: ACMG Guidelines, 2015. Collection method: research. Allele origin: germline. Affected: yes.
Comment: PS2,PM1,PM2,PP3,PP4

3billion
Classification: Likely pathogenic for Marfan syndrome. Last evaluated: 2024-09-25. Review status: criteria provided, single submitter. Criteria: ACMG Guidelines, 2015. Collection method: clinical testing. Allele origin: germline. Affected: yes.
Comment: The variant is observed at an extremely low frequency in the gnomAD v4.0.0 dataset (total allele frequency: <0.001%). Predicted Consequence/Location: Missense variant In silico tool predictions suggest damaging effect of the variant on gene or gene product [REVEL: 0.99 (>=0.6, sensitivity 0.68 and specificity 0.92); 3Cnet: 0.95 (>=0.6, sensitivity 0.72 and precision 0.9)]. The same nucleotide change resulting in the same amino acid change has been previously reported as pathogenic/likely pathogenic with strong evidence (ClinVar ID: VCV000200036 /PMID: 14695540).A different missense change at the same codon (p.Glu1366Gln) has been reported to be associated with FBN1 related disorder (ClinVar ID: VCV000263872). Therefore, this variant is classified as Likely pathogenic according to the recommendation of ACMG/AMP guideline.

GeneDx
Classification: Pathogenic. Last evaluated: 2024-06-11. Review status: criteria provided, single submitter. Criteria: GeneDx Variant Classification Process June 2021. Collection method: clinical testing. Allele origin: germline. Affected: yes.
Comment: Not observed at significant frequency in large population cohorts (gnomAD); In silico analysis supports that this missense variant has a deleterious effect on protein structure/function; This variant is associated with the following publications: (PMID: 21895641, 25907466, 17657824, 27611364, 24199744, 31098894, 32123317, 34281902, 36703223, 35042684, 38190127, 36729443, 34663891, 14695540, 35058154, 34818515, 35237611, 27724990, 33844962, DumanliA2020[Article], 16342915, 31754721, Fan2009[Abstract], 33576469, 20591885)

Blueprint Genetics
Classification: Pathogenic for FBN1-related disorders. Last evaluated: 2024-06-05. Review status: criteria provided, single submitter. Criteria: ACMG Guidelines, 2015. Collection method: clinical testing. Allele origin: germline. Affected: yes. Observed: 3 variant alleles.

CHEO Genetics Diagnostic Laboratory, Children's Hospital of Eastern Ontario
Classification: Likely pathogenic for Familial thoracic aortic aneurysm and aortic dissection. Last evaluated: 2022-03-22. Review status: criteria provided, single submitter. Criteria: ACMG Guidelines, 2015. Collection method: clinical testing. Allele origin: germline.

Women's Health and Genetics/Laboratory Corporation of America, LabCorp
Classification: Pathogenic for Marfan Syndrome/Loeys-Dietz Syndrome/Familial Thoracic Aortic Aneurysms and Dissections. Last evaluated: 2021-12-20. Review status: criteria provided, single submitter. Criteria: LabCorp Variant Classification Summary - May 2015. Collection method: clinical testing. Allele origin: germline.
Comment: Variant summary: FBN1 c.4096G>A (p.Glu1366Lys) results in a conservative amino acid change located in the EGF-like domain (IPR000742) of the encoded protein sequence. Four of five in-silico tools predict a damaging effect of the variant on protein function. The variant was absent in 251486 control chromosomes. c.4096G>A has been reported in the literature in multiple individuals affected with Marfan Syndrome to include a De-novo mode of inheritance reported in some (example, Baumgartner_2005, Biggin_2004, Comeglio_2007, Robinson_2011, Pees_2013, Proost_2015, Li_2019). These data indicate that the variant is very likely to be associated with disease. To our knowledge, no experimental evidence demonstrating an impact on protein function has been reported. Four clinical diagnostic laboratories have submitted clinical-significance assessments for this variant to ClinVar after 2014 without evidence for independent evaluation. All laboratories classified the variant as pathogenic/likely pathogenic. Based on the evidence outlined above, the variant was classified as pathogenic.

Breakthrough Genomics
Classification: Likely pathogenic for Marfan syndrome. Last evaluated: 2021-03-12. Review status: criteria provided, single submitter. Criteria: ACMG Guidelines, 2015. Collection method: clinical testing. Allele origin: germline. Affected: yes.
Comment: This variant is predicted to be damaging by insilico missense prediction tools (SIFT and Polyphen2). It was previously reported in multiple patients with Marfan syndrome [PMID: 14695540, 27611364, 27724990, 24199744, 17657824] and reported to affect calcium-binding EGF-like module [PMID: 14695540, 27611364].

Centre of Medical Genetics, University of Antwerp
Classification: Likely pathogenic for Marfan syndrome. Last evaluated: 2021-03-01. Review status: criteria provided, single submitter. Criteria: Submitter's publication. Collection method: research. Allele origin: unknown. Affected: yes.
Comment: PM2, PS6, PP4

Center for Medical Genetics Ghent, University of Ghent
Classification: Likely pathogenic for Marfan syndrome. Last evaluated: 2017-11-07. Review status: no assertion criteria provided. Collection method: clinical testing. Allele origin: germline. Affected: yes. Not counted in ClinVar's aggregate classification.

Literature cited by the submitters: PubMed 14695540 (cited by 4 submitters); PubMed 16342915 (cited by 3 submitters); PubMed 17657824 (cited by 3 submitters); PubMed 24199744 (cited by 3 submitters); PubMed 27611364 (cited by Labcorp Genetics (formerly Invitae), Labcorp and Ambry Genetics); PubMed 27724990 (cited by Labcorp Genetics (formerly Invitae), Labcorp and Ambry Genetics); PubMed 31098894 (cited by 3 submitters); PubMed 21895641 (cited by Ambry Genetics and Women's Health and Genetics/Laboratory Corporation of America, LabCorp); PubMed 24635535 (cited by Ambry Genetics); PubMed 25907466 (cited by Ambry Genetics and Women's Health and Genetics/Laboratory Corporation of America, LabCorp); PubMed 31227806 (cited by Ambry Genetics).